The following is an entry in ClinVar:

NM_054012.4(ASS1):c.295G>A (p.Ala99Thr)

Gene: ASS1 (argininosuccinate synthase 1; plus strand). Cytogenetic location: 9q34.11.
Variant type: single nucleotide variant.
Coding change: c.295G>A on transcript NM_054012.4 (MANE Select); coding-DNA position 295, G replaced by A.
Protein change: p.Ala99Thr; replaces alanine 99 with threonine.
Molecular consequence: missense variant.
Genome position (GRCh38, 1-based): chr9:130,458,521, G>A. VCF-style: chr9-130458521-G-A. GRCh37 (hg19) VCF-style: chr9-133333908-G-A.
Other names: c.295G>A, p.Ala99Thr (NM_000050.4); short protein forms A99T.
Identifiers: ClinVar variation 1061050 (VCV001061050.3), dbSNP rs150466363, ClinGen allele CA5283217.

ClinVar aggregate classification (germline): Uncertain significance. Review status: criteria provided, single submitter (1 of 4 stars). 2 submissions from 2 submitters: Uncertain significance (1). 1 of the submissions does not count toward it. Last evaluated 2022-06-20.

Conditions:
Citrullinemia. Identifiers: Orphanet 187, MedGen C0175683, MONDO:0015991.
Citrullinemia type I (CTNL1). Also called: ASS DEFICIENCY; argininosuccinate synthetase deficiency. Identifiers: Orphanet 247525, MedGen C4721769, MONDO:0008988, OMIM 215700.

Allele frequency attached by ClinVar (database versions not stated): ExAC 0.00002; gnomAD exomes 0.00002; TOPMed 0.00004; gnomAD 0.00006 and 0.00007; ESP Exome Variant Server 0.00008; 1000 Genomes Project 30x 0.00016; 1000 Genomes Project 0.00020.

Submissions (2):

Labcorp Genetics (formerly Invitae), Labcorp
Classification: Uncertain significance for Citrullinemia. Last evaluated: 2022-06-20. Review status: criteria provided, single submitter. Criteria: Invitae Variant Classification Sherloc (09022015). Collection method: clinical testing. Allele origin: germline.
Comment: This sequence change replaces alanine, which is neutral and non-polar, with threonine, which is neutral and polar, at codon 99 of the ASS1 protein (p.Ala99Thr). This variant is present in population databases (rs150466363, gnomAD 0.03%). This variant has not been reported in the literature in individuals affected with ASS1-related conditions. ClinVar contains an entry for this variant (Variation ID: 1061050). Algorithms developed to predict the effect of missense changes on protein structure and function are either unavailable or do not agree on the potential impact of this missense change (SIFT: "Deleterious"; PolyPhen-2: "Benign"; Align-GVGD: "Class C0"). In summary, the available evidence is currently insufficient to determine the role of this variant in disease. Therefore, it has been classified as a Variant of Uncertain Significance.

Natera, Inc.
Classification: Uncertain significance for Citrullinemia type I. Last evaluated: 2020-06-30. Review status: no assertion criteria provided. Collection method: clinical testing. Allele origin: germline. Not counted in ClinVar's aggregate classification.